The following is an entry in ClinVar:

ClinVar aggregate classification (germline): Uncertain significance. Review status: criteria provided, multiple submitters, no conflicts (2 of 4 stars). 4 submissions from 4 submitters: Uncertain significance (4). Last evaluated 2025-06-30.

Conditions:
Inborn genetic diseases. Identifiers: MedGen C0950123, MeSH D030342.

Allele frequency attached by ClinVar (database versions not stated): ESP Exome Variant Server 0.00015; TOPMed 0.00029; ExAC 0.00030.
gnomAD v4.1: 337 of 1,582,124 alleles (0.021%); highest among the groups gnomAD compares: Middle Eastern, 0.25%; 2 homozygotes.

Submissions (4):

Ambry Genetics
Classification: Uncertain significance for Inborn genetic diseases. Last evaluated: 2025-06-30. Review status: criteria provided, single submitter. Criteria: Ambry Variant Classification Scheme 2023. Collection method: clinical testing. Allele origin: germline.

Labcorp Genetics (formerly Invitae), Labcorp
Classification: Uncertain significance. Last evaluated: 2024-11-11. Review status: criteria provided, single submitter. Criteria: Invitae Variant Classification Sherloc (09022015). Collection method: clinical testing. Allele origin: germline.
Comment: This sequence change replaces glycine, which is neutral and non-polar, with tryptophan, which is neutral and slightly polar, at codon 129 of the P3H2 protein (p.Gly129Trp). This variant is present in population databases (rs200731219, gnomAD 0.09%). This variant has not been reported in the literature in individuals affected with P3H2-related conditions. ClinVar contains an entry for this variant (Variation ID: 852154). Invitae Evidence Modeling of protein sequence and biophysical properties (such as structural, functional, and spatial information, amino acid conservation, physicochemical variation, residue mobility, and thermodynamic stability) indicates that this missense variant is not expected to disrupt P3H2 protein function with a negative predictive value of 80%. In summary, the available evidence is currently insufficient to determine the role of this variant in disease. Therefore, it has been classified as a Variant of Uncertain Significance.

Blueprint Genetics
Classification: Uncertain significance. Last evaluated: 2024-10-08. Review status: criteria provided, single submitter. Criteria: ACMG Guidelines, 2015. Collection method: clinical testing. Allele origin: germline.

Breakthrough Genomics
Classification: Uncertain significance. Review status: criteria provided, single submitter. Criteria: ACMG Guidelines, 2015. Collection method: not provided. Allele origin: germline. Inheritance: Autosomal recessive inheritance. Affected: yes.

NM_018192.4(P3H2):c.385G>T (p.Gly129Trp)

Gene: P3H2 (prolyl 3-hydroxylase 2; minus strand). Cytogenetic location: 3q28.
Variant type: single nucleotide variant.
Coding change: c.385G>T on transcript NM_018192.4 (MANE Select); coding-DNA position 385, G replaced by T.
Protein change: p.Gly129Trp; replaces glycine 129 with tryptophan.
Molecular consequence: missense variant. On other transcripts: intron variant (1).
Genome position (GRCh38, 1-based): chr3:190,120,347, C>A on the plus strand (G>T on the coding strand, the complement: P3H2 is on the minus strand). VCF-style: chr3-190120347-C-A. GRCh37 (hg19) VCF-style: chr3-189838136-C-A.
Other names: c.-64+1856G>T (NM_001134418.2); short protein forms G129W.
Identifiers: ClinVar variation 852154 (VCV000852154.8), dbSNP rs200731219, ClinGen allele CA2753383.